The following is an entry in ClinVar:

NM_015404.4(WHRN):c.75C>T (p.Gly25=)

Gene: WHRN (whirlin; minus strand). Cytogenetic location: 9q32.
Variant type: single nucleotide variant.
Coding change: c.75C>T on transcript NM_015404.4 (MANE Select); coding-DNA position 75, C replaced by T.
Protein change: p.Gly25=; no amino-acid change (glycine 25 retained).
Molecular consequence: synonymous variant.
Genome position (GRCh38, 1-based): chr9:114,504,727, G>A on the plus strand (C>T on the coding strand, the complement: WHRN is on the minus strand). VCF-style: chr9-114504727-G-A. GRCh37 (hg19) VCF-style: chr9-117267007-G-A.
Other names: c.75C>T, p.Gly25= (NM_001173425.2).
Identifiers: ClinVar variation 227294 (VCV000227294.21), dbSNP rs771128098, ClinGen allele CA5206366.
Genomic context (GRCh38, chr9:114,504,727, plus strand): 5'-CGCTTGGTGCAGCTGGCGCACGTTGGCAGACAGTAACCGCAGCCCCGCGCCCCCGCCGCC[G>A]CCCGCCCCGGCCGCCGAGCCCAGCGAGCCGGTGGAGGACGAGCTCACCGACAGGCCGTCC-3'
Protein context (NP_056219.3, residues 15-35): TGSLGSAAGA[Gly25=]GGGGAGLRLL

ClinVar aggregate classification (germline): Benign/Likely benign. Review status: criteria provided, multiple submitters, no conflicts (2 of 4 stars). 5 submissions from 5 submitters: Benign (1); Likely benign (4). Last evaluated 2026-09-09.

Conditions:
WHRN-related disorder. Also called: WHRN-related condition.

Allele frequency attached by ClinVar (database versions not stated): ExAC below 0.00001; gnomAD exomes 0.00007 and 0.00010; 1000 Genomes Project 30x 0.00016; gnomAD 0.00090 and 0.00099; TOPMed 0.00090.
gnomAD v4.1: 240 of 1,504,420 alleles (0.016%); highest among the groups gnomAD compares: African/African-American, 0.32%; 2 homozygotes.

Submissions (5):

PreventionGenetics, part of Exact Sciences
Classification: Likely benign for WHRN-related condition. Last evaluated: 2026-09-09. Review status: criteria provided, single submitter. Criteria: ACMG Guidelines, 2015. Collection method: clinical testing. Allele origin: germline.
Comment: This variant is classified as likely benign based on ACMG/AMP sequence variant interpretation guidelines (Richards et al. 2015 PMID: 25741868, with internal and published modifications).

Labcorp Genetics (formerly Invitae), Labcorp
Classification: Likely benign. Last evaluated: 2026-02-02. Review status: criteria provided, single submitter. Criteria: Invitae Variant Classification Sherloc (09022015). Collection method: clinical testing. Allele origin: germline.

Blueprint Genetics
Classification: Likely benign. Last evaluated: 2024-04-16. Review status: criteria provided, single submitter. Criteria: ACMG Guidelines, 2015. Collection method: clinical testing. Allele origin: germline.

GeneDx
Classification: Likely benign. Last evaluated: 2020-10-07. Review status: criteria provided, single submitter. Criteria: GeneDx Variant Classification Process June 2021. Collection method: clinical testing. Allele origin: germline. Affected: yes.

Laboratory for Molecular Medicine, Mass General Brigham Personalized Medicine
Classification: Benign. Last evaluated: 2017-06-22. Review status: criteria provided, single submitter. Criteria: LMM Criteria. Collection method: clinical testing. Allele origin: germline. Observed: 3 variant alleles.
Comment: p.Gly25Gly in exon 1 of DFNB31: This variant is not expected to have clinical si gnificance because it does not alter an amino acid residue, is not located withi n the splice consensus sequence, and has been identified in 0.3% (39/11234) of A frican chromosomes by the Genome Aggregation Database (gnomAD; dbSNP rs771128098).